The following is an entry in ClinVar:

ClinVar aggregate classification (germline): Likely benign (0 of 4 stars; one submission).

Conditions:
DUSP22-related disorder. Also called: DUSP22-related condition.

Allele frequency attached by ClinVar (database versions not stated): ExAC 0.00001; gnomAD 0.00001; gnomAD exomes 0.00001; ESP Exome Variant Server 0.00008.

Submission:

PreventionGenetics, part of Exact Sciences
Classification: Likely benign for DUSP22-related condition. Last evaluated: 2019-09-20. Review status: no assertion criteria provided. Collection method: clinical testing. Allele origin: germline.
Comment: This variant is classified as likely benign based on ACMG/AMP sequence variant interpretation guidelines (Richards et al. 2015 PMID: 25741868, with internal and published modifications).

NM_001286555.3(DUSP22):c.56-6dup

Gene: DUSP22 (dual specificity phosphatase 22; plus strand). Cytogenetic location: 6p25.3.
Variant type: Duplication.
Coding change: c.56-6dup on transcript NM_001286555.3 (MANE Select); 6 bases into the intron before coding-DNA position 56, one base duplicated (T; older notation c.56-6dupT).
Molecular consequence: intron variant.
Genome position (GRCh38, 1-based): chr6:311,874, T duplicated. VCF-style (leftmost placement, unchanged base first): chr6-311873-C-CT. GRCh37 (hg19) VCF-style: chr6-311873-C-CT.
Other names: c.56-6dup (NM_020185.6).
Identifiers: ClinVar variation 3040278 (VCV003040278.2), dbSNP rs763462187, ClinGen allele CA3612161.